The following is an entry in ClinVar:

ClinVar aggregate classification (germline): Conflicting classifications of pathogenicity. Review status: criteria provided, conflicting classifications (1 of 4 stars). 4 submissions from 4 submitters: Likely pathogenic (2); Uncertain significance (1). 1 of the submissions does not count toward it. Last evaluated 2025-02-05.

Conditions:
Galactosylceramide beta-galactosidase deficiency. Also called: Krabbe Disease; GALACTOCEREBROSIDASE DEFICIENCY; GALC DEFICIENCY; GLOBOID CELL LEUKOENCEPHALOPATHY; Leukodystrophy, Globoid Cell. Identifiers: Orphanet 487, MedGen C0023521, MONDO:0009499, OMIM 245200.

Allele frequency attached by ClinVar (database versions not stated): gnomAD exomes below 0.00001; gnomAD 0.00001; TOPMed 0.00001.
gnomAD v4.1: 8 of 1,601,430 alleles (0.0005%); highest among the groups gnomAD compares: East Asian, 0.011%; no homozygotes.

Submissions (4):

Myriad Genetics, Inc.
Classification: Likely pathogenic for Galactosylceramide beta-galactosidase deficiency. Last evaluated: 2025-02-05. Review status: criteria provided, single submitter. Criteria: Myriad Autosomal Dominant, Autosomal Recessive and X-Linked Classification Criteria (2023). Collection method: clinical testing. Allele origin: unknown.
Comment: NM_000153.3(GALC):c.1187G>A(R396Q) is a missense variant classified as likely pathogenic in the context of Krabbe disease. R396Q has been observed in a case with relevant disease (PMID: 27779215). Relevant functional assessments of this variant are not available in the literature. Internal structural analysis of the variant is supportive of pathogenicity. R396Q has been observed in referenced population frequency databases. In summary, NM_000153.3(GALC):c.1187G>A(R396Q) is a missense variant that has internal structural support for pathogenicity and has been observed more frequently in cases with the relevant disease than in healthy populations. Please note: this variant was assessed in the context of healthy population screening.

Labcorp Genetics (formerly Invitae), Labcorp
Classification: Likely pathogenic for Galactosylceramide beta-galactosidase deficiency. Last evaluated: 2023-12-14. Review status: criteria provided, single submitter. Criteria: Invitae Variant Classification Sherloc (09022015). Collection method: clinical testing. Allele origin: germline.
Comment: This sequence change replaces arginine, which is basic and polar, with glutamine, which is neutral and polar, at codon 396 of the GALC protein (p.Arg396Gln). This variant is present in population databases (no rsID available, gnomAD 0.006%). This variant has not been reported in the literature in individuals affected with GALC-related conditions. ClinVar contains an entry for this variant (Variation ID: 556049). Advanced modeling of protein sequence and biophysical properties (such as structural, functional, and spatial information, amino acid conservation, physicochemical variation, residue mobility, and thermodynamic stability) performed at Invitae indicates that this missense variant is expected to disrupt GALC protein function with a positive predictive value of 95%. This variant disrupts the p.Arg396 amino acid residue in GALC. Other variant(s) that disrupt this residue have been determined to be pathogenic (PMID: 3362311, 9338580, 21876145, 24297913, 26795590, 27638592, 27638593). This suggests that this residue is clinically significant, and that variants that disrupt this residue are likely to be disease-causing. In summary, the currently available evidence indicates that the variant is pathogenic, but additional data are needed to prove that conclusively. Therefore, this variant has been classified as Likely Pathogenic.

Women's Health and Genetics/Laboratory Corporation of America, LabCorp
Classification: Uncertain significance. Last evaluated: 2023-11-29. Review status: criteria provided, single submitter. Criteria: LabCorp Variant Classification Summary - May 2015. Collection method: clinical testing. Allele origin: germline.
Comment: Variant summary: GALC c.1187G>A (p.Arg396Gln) results in a conservative amino acid change located in the Glycosyl hydrolase family 59, central domain (IPR035394) of the encoded protein sequence. Four of five in-silico tools predict a damaging effect of the variant on protein function. The variant allele was found at a frequency of 4e-06 in 248256 control chromosomes. The available data on variant occurrences in the general population are insufficient to allow any conclusion about variant significance. c.1187G>A has been reported in the literature in at least one compound heterozygous individual affected with Krabbe Disease (e.g. Wang_2016). To our knowledge, no experimental evidence demonstrating an impact on protein function has been reported. The following publication has been ascertained in the context of this evaluation (PMID: 27779215). A different variant located at the same codon (c.1186C>T, p.Arg396Trp) has been classified as pathogenic in association with Krabbe Disease, supporting a critical relevance of this residue to GALC protein function. Two submitters have cited clinical-significance assessments for this variant to ClinVar after 2014. One submitter classified the variant as likely pathogenic, and one submitter classified the variant as uncertain significance. Based on the evidence outlined above, the variant was classified as VUS-possibly pathogenic.

Counsyl
Classification: Uncertain significance for Galactosylceramide beta-galactosidase deficiency. Last evaluated: 2018-01-09. Review status: no assertion criteria provided. Collection method: clinical testing. Allele origin: unknown. Not counted in ClinVar's aggregate classification.

Literature cited by the submitters: PubMed 27779215 (cited by 3 submitters); PubMed 3362311 (cited by Labcorp Genetics (formerly Invitae), Labcorp); PubMed 9338580 (cited by Labcorp Genetics (formerly Invitae), Labcorp); PubMed 21876145 (cited by Labcorp Genetics (formerly Invitae), Labcorp and Counsyl); PubMed 24297913 (cited by Labcorp Genetics (formerly Invitae), Labcorp); PubMed 26795590 (cited by Labcorp Genetics (formerly Invitae), Labcorp); PubMed 27638592 (cited by Labcorp Genetics (formerly Invitae), Labcorp); PubMed 27638593 (cited by Labcorp Genetics (formerly Invitae), Labcorp).

NM_000153.4(GALC):c.1187G>A (p.Arg396Gln)

Gene: GALC (galactosylceramidase; minus strand). Cytogenetic location: 14q31.3.
Variant type: single nucleotide variant.
Coding change: c.1187G>A on transcript NM_000153.4 (MANE Select); coding-DNA position 1187, G replaced by A.
Protein change: p.Arg396Gln; replaces arginine 396 with glutamine.
Molecular consequence: missense variant.
Genome position (GRCh38, 1-based): chr14:87,950,723, C>T on the plus strand (G>A on the coding strand, the complement: GALC is on the minus strand). VCF-style: chr14-87950723-C-T. GRCh37 (hg19) VCF-style: chr14-88417067-C-T.
Other names: c.1118G>A, p.Arg373Gln (NM_001201401.2); c.1109G>A, p.Arg370Gln (NM_001201402.2); short protein forms R396Q, R373Q, R370Q.
Identifiers: ClinVar variation 556049 (VCV000556049.9), dbSNP rs887930208, ClinGen allele CA264688612.
Genomic context (GRCh38, chr14:87,950,723, plus strand): 5'-GATCCCTTAAGAACAAAGGTGGCAAATTGTTGTGACACATTGAAATAAGGAAGAAATGGC[C>T]GTATGCACTTAGAATGTTTATGACTCTGAAAAAAAAAAATCACATACATTATCCAAATGA-3'
Protein context (NP_000144.2, residues 386-406): TMSHKHSKCI[Arg396Gln]PFLPYFNVSQ